The following is an entry in ClinVar:

ClinVar aggregate classification (germline): Benign/Likely benign. Review status: criteria provided, multiple submitters, no conflicts (2 of 4 stars). 3 submissions from 3 submitters: Benign (1); Likely benign (1). 1 of the submissions does not count toward it. Last evaluated 2026-01-12.

Conditions:
DVL1-related disorder. Also called: DVL1-related condition.

Allele frequency attached by ClinVar (database versions not stated): gnomAD exomes 0.00014; ExAC 0.00016; ESP Exome Variant Server 0.00038; gnomAD 0.00041 and 0.00046; TOPMed 0.00047.
gnomAD v4.1: 130 of 1,613,952 alleles (0.0081%); highest among the groups gnomAD compares: African/African-American, 0.13%; no homozygotes.

Submissions (3):

Labcorp Genetics (formerly Invitae), Labcorp
Classification: Benign. Last evaluated: 2026-01-12. Review status: criteria provided, single submitter. Criteria: Invitae Variant Classification Sherloc (09022015). Collection method: clinical testing. Allele origin: germline.

Blueprint Genetics
Classification: Likely benign. Last evaluated: 2019-02-11. Review status: criteria provided, single submitter. Criteria: ACMG Guidelines, 2015. Collection method: clinical testing. Allele origin: germline.

PreventionGenetics, part of Exact Sciences
Classification: Likely benign for DVL1-related condition. Last evaluated: 2020-03-12. Review status: no assertion criteria provided. Collection method: clinical testing. Allele origin: germline. Not counted in ClinVar's aggregate classification.
Comment: This variant is classified as likely benign based on ACMG/AMP sequence variant interpretation guidelines (Richards et al. 2015 PMID: 25741868, with internal and published modifications).

NM_001330311.2(DVL1):c.702C>T (p.Ala234=)

Gene: DVL1 (dishevelled segment polarity protein 1; minus strand). Cytogenetic location: 1p36.33.
Variant type: single nucleotide variant.
Coding change: c.702C>T on transcript NM_001330311.2 (MANE Select); coding-DNA position 702, C replaced by T.
Protein change: p.Ala234=; no amino-acid change (alanine 234 retained).
Molecular consequence: synonymous variant.
Genome position (GRCh38, 1-based): chr1:1,340,314, G>A on the plus strand (C>T on the coding strand, the complement: DVL1 is on the minus strand). VCF-style: chr1-1340314-G-A. GRCh37 (hg19) VCF-style: chr1-1275694-G-A.
Other names: c.702C>T (NM_004421.2); c.702C>T, p.Ala234= (NM_004421.3).
Identifiers: ClinVar variation 1556553 (VCV001556553.11), dbSNP rs141536842, ClinGen allele CA520473.